The following is an entry in ClinVar:

NM_001364171.2(ODAD1):c.1404+8A>G

Gene: ODAD1 (outer dynein arm docking complex subunit 1; minus strand). Cytogenetic location: 19q13.33.
Variant type: single nucleotide variant.
Coding change: c.1404+8A>G on transcript NM_001364171.2 (MANE Select); 8 bases into the intron after coding-DNA position 1404, A replaced by G.
Molecular consequence: intron variant.
Genome position (GRCh38, 1-based): chr19:48,298,169, T>C on the plus strand (A>G on the coding strand, the complement: ODAD1 is on the minus strand). VCF-style: chr19-48298169-T-C. GRCh37 (hg19) VCF-style: chr19-48801426-T-C.
Other names: p.?; c.1293+8A>G (NM_144577.4).
Identifiers: ClinVar variation 262486 (VCV000262486.19), dbSNP rs8111947, ClinGen allele CA9548723.
Genomic context (GRCh38, chr19:48,298,169, plus strand): 5'-GGGAGCCTGCGGTCAGCTGGGCCACCCCCGAGACCGGCCTCCTGTCCCGGCTCCCTGCCG[T>C]CTCCCACCTGGGCATGTAGGAAGGCCTGCACTGTCAGGAGCTCCACCAGCCGCTTCTCAA-3'

ClinVar aggregate classification (germline): Benign/Likely benign. Review status: criteria provided, multiple submitters, no conflicts (2 of 4 stars). 7 submissions from 7 submitters: Benign (6); Likely benign (1). Last evaluated 2026-02-04.

Conditions:
Primary ciliary dyskinesia. Also called: Ciliary dyskinesia. Identifiers: Orphanet 244, MedGen C0008780, MONDO:0016575, HP:0012265.

Allele frequency attached by ClinVar (database versions not stated): 1000 Genomes Project 0.30431; 1000 Genomes Project 30x 0.30856; gnomAD exomes 0.31842 and 0.35332; ExAC 0.32609; TOPMed 0.36244; gnomAD 0.36707 and 0.37323; ESP Exome Variant Server 0.39013.
gnomAD v4.1: 570,992 of 1,610,912 alleles (35%); highest among the groups gnomAD compares: African/African-American, 45%; 104,786 homozygotes.

Submissions (7):

Labcorp Genetics (formerly Invitae), Labcorp
Classification: Benign for Primary ciliary dyskinesia. Last evaluated: 2026-02-04. Review status: criteria provided, single submitter. Criteria: Invitae Variant Classification Sherloc (09022015). Collection method: clinical testing. Allele origin: germline.

Blueprint Genetics
Classification: Likely benign. Last evaluated: 2024-11-28. Review status: criteria provided, single submitter. Criteria: ACMG Guidelines, 2015. Collection method: clinical testing. Allele origin: germline.

Mayo Clinic Laboratories, Mayo Clinic
Classification: Benign. Last evaluated: 2022-04-26. Review status: criteria provided, single submitter. Criteria: ACMG Guidelines, 2015. Collection method: clinical testing. Allele origin: germline. Observed: 122 variant alleles.

GeneDx
Classification: Benign. Last evaluated: 2018-11-10. Review status: criteria provided, single submitter. Criteria: GeneDx Variant Classification Process June 2021. Collection method: clinical testing. Allele origin: germline. Affected: yes.

Laboratory for Molecular Medicine, Mass General Brigham Personalized Medicine
Classification: Benign. Last evaluated: 2016-03-29. Review status: criteria provided, single submitter. Criteria: LMM Criteria. Collection method: clinical testing. Allele origin: germline.
Comment: Variant identified in a genome or exome case(s) and assessed due to predicted null impact of the variant or pathogenic assertions in the literature or databases. Disclaimer: This variant has not undergone full assessment. The following are preliminary notes: Frequency

Breakthrough Genomics
Classification: Benign. Review status: criteria provided, single submitter. Criteria: ACMG Guidelines, 2015. Collection method: not provided. Allele origin: germline. Inheritance: Autosomal recessive inheritance. Affected: yes.

PreventionGenetics, part of Exact Sciences
Classification: Benign. Review status: criteria provided, single submitter. Criteria: ACMG Guidelines, 2015. Collection method: clinical testing. Allele origin: germline.